The following is an entry in ClinVar:

NM_033026.6(PCLO):c.8933G>T (p.Arg2978Leu)

Gene: PCLO (piccolo presynaptic cytomatrix protein; minus strand). Cytogenetic location: 7q21.11.
Variant type: single nucleotide variant.
Coding change: c.8933G>T on transcript NM_033026.6 (MANE Select); coding-DNA position 8933, G replaced by T.
Protein change: p.Arg2978Leu; replaces arginine 2978 with leucine.
Molecular consequence: missense variant.
Genome position (GRCh38, 1-based): chr7:82,952,020, C>A on the plus strand (G>T on the coding strand, the complement: PCLO is on the minus strand). VCF-style: chr7-82952020-C-A. GRCh37 (hg19) VCF-style: chr7-82581336-C-A.
Other names: c.8933G>T, p.Arg2978Leu (NM_014510.3); short protein forms R2978L.
Identifiers: ClinVar variation 1429866 (VCV001429866.8), dbSNP rs778228072, ClinGen allele CA367909573.

ClinVar aggregate classification (germline): Uncertain significance (1 of 4 stars; one submission).

gnomAD v4.1: 3 of 1,613,770 alleles (0.00019%); highest among the groups gnomAD compares: African/African-American, 0.004%; no homozygotes.

Submission:

Labcorp Genetics (formerly Invitae), Labcorp
Classification: Uncertain significance. Last evaluated: 2021-05-27. Review status: criteria provided, single submitter. Criteria: Invitae Variant Classification Sherloc (09022015). Collection method: clinical testing. Allele origin: germline.
Comment: This sequence change replaces arginine with leucine at codon 2978 of the PCLO protein (p.Arg2978Leu). The arginine residue is moderately conserved and there is a moderate physicochemical difference between arginine and leucine. This variant is not present in population databases (ExAC no frequency). This variant has not been reported in the literature in individuals with PCLO-related conditions. Algorithms developed to predict the effect of missense changes on protein structure and function are either unavailable or do not agree on the potential impact of this missense change (SIFT: "Deleterious"; PolyPhen-2: "Not Available"; Align-GVGD: "Class C0"). In summary, the available evidence is currently insufficient to determine the role of this variant in disease. Therefore, it has been classified as a Variant of Uncertain Significance.